The following is an entry in ClinVar:

ClinVar aggregate classification (germline): Uncertain significance (1 of 4 stars; one submission).

Submission:

CeGaT Center for Human Genetics Tuebingen
Classification: Uncertain significance. Last evaluated: 2024-04-01. Review status: criteria provided, single submitter. Criteria: CeGaT Center For Human Genetics Tuebingen Variant Classification Criteria Version 2. Collection method: clinical testing. Allele origin: germline. Affected: yes. Observed: 1 variant allele.
Comment: PALB2: PM2, BP1, BP4

NM_024675.4(PALB2):c.660T>G (p.Ser220Arg)

Gene: PALB2 (partner and localizer of BRCA2; minus strand). Cytogenetic location: 16p12.2.
Variant type: single nucleotide variant.
Coding change: c.660T>G on transcript NM_024675.4 (MANE Select); coding-DNA position 660, T replaced by G.
Protein change: p.Ser220Arg; replaces serine 220 with arginine.
Molecular consequence: missense variant. On other transcripts: 5 prime UTR variant (8), intron variant (3).
Genome position (GRCh38, 1-based): chr16:23,635,886, A>C on the plus strand (T>G on the coding strand, the complement: PALB2 is on the minus strand). VCF-style: chr16-23635886-A-C. GRCh37 (hg19) VCF-style: chr16-23647207-A-C.
Other names: c.-226T>G (NM_001407311.1, NM_001407304.1, NM_001407305.1 and 5 more transcripts); c.48+5224T>G (NM_001407314.1); c.-105+5224T>G (NM_001407313.1, NM_001407312.1); c.600T>G, p.Ser200Arg (NM_001407296.1); c.660T>G, p.Ser220Arg (NM_001407297.1, NM_001407298.1, NM_001407299.1 and 3 more transcripts); short protein forms S200R, S220R.
Identifiers: ClinVar variation 3234652 (VCV003234652.20), dbSNP rs571762192, ClinGen allele CA395136464.